The following is an entry in ClinVar:

ClinVar aggregate classification (germline): Likely benign. Review status: criteria provided, multiple submitters, no conflicts (2 of 4 stars). 2 submissions from 2 submitters: Likely benign (2). Last evaluated 2025-07-13.

Conditions:
Long QT syndrome (LQTS). Identifiers: MedGen C0023976, MeSH D008133, MONDO:0002442. Disease mechanism: loss of function. Inheritance: Various modes of inheritance.

Allele frequency attached by ClinVar (database versions not stated): TOPMed below 0.00001.
gnomAD v4.1: 1 of 1,606,000 alleles (0.000062%); no homozygotes.

Submissions (2):

Labcorp Genetics (formerly Invitae), Labcorp
Classification: Likely benign for Long QT syndrome. Last evaluated: 2025-07-13. Review status: criteria provided, single submitter. Criteria: Invitae Variant Classification Sherloc (09022015). Collection method: clinical testing. Allele origin: germline.

GeneDx
Classification: Likely benign. Last evaluated: 2017-05-17. Review status: criteria provided, single submitter. Criteria: GeneDx Variant Classification (06012015). Collection method: clinical testing. Allele origin: germline. Affected: yes.
Comment: This variant is considered likely benign or benign based on one or more of the following criteria: it is a conservative change, it occurs at a poorly conserved position in the protein, it is predicted to be benign by multiple in silico algorithms, and/or has population frequency not consistent with disease.

NM_000719.7(CACNA1C):c.1508+20C>T

Gene: CACNA1C (calcium voltage-gated channel subunit alpha1 C; plus strand). Cytogenetic location: 12p13.33.
Variant type: single nucleotide variant.
Coding change: c.1508+20C>T on transcript NM_000719.7 (MANE Select); 20 bases into the intron after coding-DNA position 1508, C replaced by T.
Molecular consequence: intron variant.
Genome position (GRCh38, 1-based): chr12:2,556,997, C>T. VCF-style: chr12-2556997-C-T. GRCh37 (hg19) VCF-style: chr12-2666163-C-T.
Other names: c.1508+20C>T (NM_001167624.3, NM_001167623.2, NM_001167625.2 and 18 more transcripts); c.1499+20C>T (NM_001129844.2).
Identifiers: ClinVar variation 509639 (VCV000509639.9), dbSNP rs1471165180, ClinGen allele CA658797832.